The following is an entry in ClinVar:

ClinVar aggregate classification (germline): Pathogenic (1 of 4 stars; one submission).

Conditions:
Malignant hyperthermia, susceptibility to, 5 (MHS5). Also called: CACNA1S-Related Malignant Hyperthermia Susceptibility. Identifiers: Orphanet 423, MedGen C1866077, MONDO:0011163, OMIM 601887.
Hypokalemic periodic paralysis, type 1. Also called: HypoPP; Hypokalemic Periodic Paralysis Type 1 (AD). Identifiers: Orphanet 681, MedGen C3714580, MONDO:0042979, OMIM 170400.

Submission:

Labcorp Genetics (formerly Invitae), Labcorp
Classification: Pathogenic for Hypokalemic periodic paralysis, type 1; Malignant hyperthermia, susceptibility to, 5. Last evaluated: 2023-07-17. Review status: criteria provided, single submitter. Criteria: Invitae Variant Classification Sherloc (09022015). Collection method: clinical testing. Allele origin: unknown.
Comment: For these reasons, this variant has been classified as Pathogenic. This variant has not been reported in the literature in individuals affected with CACNA1S-related conditions. This variant is a gross deletion of the genomic region encompassing exon(s) 1-2 of the CACNA1S gene, which includes the initiator codon. This deletion extends beyond the assayed region for this gene and therefore may encompass additional genes. It is expected to result in an absent or disrupted protein product. Loss-of-function variants in CACNA1S are known to be pathogenic (PMID: 26247046, 28012042).

Literature cited by the submitters: PubMed 26247046; PubMed 28012042.

NC_000001.10:g.(?_201079272)_(201081467_?)del

Gene: CACNA1S (calcium voltage-gated channel subunit alpha1 S; minus strand). Cytogenetic location: 1q32.1.
Variant type: Deletion.
Identifiers: ClinVar variation 3247818 (VCV003247818.1).